The following is an entry in ClinVar:

ClinVar aggregate classification (germline): Uncertain significance (1 of 4 stars; one submission).

Conditions:
Nemaline myopathy 8 (NEM8). Also called: Nemaline myopathy 8, autosomal recessive. Identifiers: Orphanet 171430, MedGen C3809209, MONDO:0014138, OMIM 615348.

Submission:

Labcorp Genetics (formerly Invitae), Labcorp
Classification: Uncertain significance for Nemaline myopathy 8. Last evaluated: 2022-04-01. Review status: criteria provided, single submitter. Criteria: Invitae Variant Classification Sherloc (09022015). Collection method: clinical testing. Allele origin: germline.
Comment: In summary, the available evidence is currently insufficient to determine the role of this variant in disease. Therefore, it has been classified as a Variant of Uncertain Significance. Algorithms developed to predict the effect of missense changes on protein structure and function are either unavailable or do not agree on the potential impact of this missense change (SIFT: "Tolerated"; PolyPhen-2: "Possibly Damaging"; Align-GVGD: "Class C0"). This variant has not been reported in the literature in individuals affected with KLHL40-related conditions. This variant is not present in population databases (gnomAD no frequency). This sequence change replaces alanine, which is neutral and non-polar, with valine, which is neutral and non-polar, at codon 516 of the KLHL40 protein (p.Ala516Val).

NM_152393.4(KLHL40):c.1547C>T (p.Ala516Val)

Gene: KLHL40 (kelch like family member 40; plus strand). Cytogenetic location: 3p22.1.
Variant type: single nucleotide variant.
Coding change: c.1547C>T on transcript NM_152393.4 (MANE Select); coding-DNA position 1547, C replaced by T.
Protein change: p.Ala516Val; replaces alanine 516 with valine.
Molecular consequence: missense variant.
Genome position (GRCh38, 1-based): chr3:42,688,994, C>T. VCF-style: chr3-42688994-C-T. GRCh37 (hg19) VCF-style: chr3-42730486-C-T.
Other names: short protein forms A516V.
Identifiers: ClinVar variation 1896853 (VCV001896853.5), dbSNP rs2471312031, ClinGen allele CA352294852.